The following is an entry in ClinVar:

NM_001366110.1(PAX4):c.571C>T (p.Arg191Cys)

Gene: PAX4 (paired box 4; minus strand). Cytogenetic location: 7q32.1.
Variant type: single nucleotide variant.
Coding change: c.571C>T on transcript NM_001366110.1 (MANE Select); coding-DNA position 571, C replaced by T.
Protein change: p.Arg191Cys; replaces arginine 191 with cysteine.
Molecular consequence: missense variant.
Genome position (GRCh38, 1-based): chr7:127,613,524, G>A on the plus strand (C>T on the coding strand, the complement: PAX4 is on the minus strand). VCF-style: chr7-127613524-G-A. GRCh37 (hg19) VCF-style: chr7-127253578-G-A.
Other names: c.571C>T, p.Arg191Cys (NM_001366111.1); short protein forms R191C.
Identifiers: ClinVar variation 358803 (VCV000358803.11), dbSNP rs114315130, ClinGen allele CA4468028.

ClinVar aggregate classification (germline): Conflicting classifications of pathogenicity. Review status: criteria provided, conflicting classifications (1 of 4 stars). 3 submissions from 3 submitters: Uncertain significance (1); Benign (1); Likely benign (1). Last evaluated 2026-01-17.

Conditions:
PAX4-related disorder. Also called: PAX4-related condition.

Allele frequency attached by ClinVar (database versions not stated): ESP Exome Variant Server 0.00008; gnomAD 0.00013 and 0.00019; TOPMed 0.00013; 1000 Genomes Project 30x 0.00047; 1000 Genomes Project 0.00060.
gnomAD v4.1: 439 of 1,614,124 alleles (0.027%); highest among the groups gnomAD compares: East Asian, 0.94%; 1 homozygote.

Submissions (3):

Labcorp Genetics (formerly Invitae), Labcorp
Classification: Likely benign. Last evaluated: 2026-01-17. Review status: criteria provided, single submitter. Criteria: Invitae Variant Classification Sherloc (09022015). Collection method: clinical testing. Allele origin: germline.

PreventionGenetics, part of Exact Sciences
Classification: Benign for PAX4-related condition. Last evaluated: 2024-11-27. Review status: criteria provided, single submitter. Criteria: ACMG Guidelines, 2015. Collection method: clinical testing. Allele origin: germline.
Comment: This variant is classified as benign based on ACMG/AMP sequence variant interpretation guidelines (Richards et al. 2015 PMID: 25741868, with internal and published modifications).

GeneDx
Classification: Uncertain significance. Last evaluated: 2019-12-04. Review status: criteria provided, single submitter. Criteria: GeneDx Variant Classification Process June 2021. Collection method: clinical testing. Allele origin: germline. Affected: yes.
Comment: Identified in patients with diabetes or MODY in published literature (Plengvidhya et al., 2007; Kwak et al., 2016); In silico analysis, which includes protein predictors and evolutionary conservation, supports a deleterious effect; This variant is associated with the following publications: (PMID: 27810688, 17426099)